The following is an entry in ClinVar:

ClinVar aggregate classification (germline): Uncertain significance. Review status: criteria provided, multiple submitters, no conflicts (2 of 4 stars). 4 submissions from 3 submitters: Uncertain significance (4). Last evaluated 2025-08-08.

Conditions:
Inborn genetic diseases. Identifiers: MedGen C0950123, MeSH D030342.
Congenital myasthenic syndrome (CMS). Also called: Congenital Myasthenic Syndromes. Identifiers: Orphanet 590, MedGen C0751882, MeSH D020294, MONDO:0018940.
Lethal multiple pterygium syndrome (LMPS). Identifiers: Orphanet 33108, MedGen C1854678, MONDO:0009668, OMIM 253290.

Allele frequency attached by ClinVar (database versions not stated): TOPMed below 0.00001; ExAC 0.00001; gnomAD exomes 0.00001.

Submissions (4):

Ambry Genetics
Classification: Uncertain significance for Inborn genetic diseases. Last evaluated: 2025-08-08. Review status: criteria provided, single submitter. Criteria: Ambry Variant Classification Scheme 2023. Collection method: clinical testing. Allele origin: germline.

Labcorp Genetics (formerly Invitae), Labcorp
Classification: Uncertain significance for Lethal multiple pterygium syndrome. Last evaluated: 2023-07-07. Review status: criteria provided, single submitter. Criteria: Invitae Variant Classification Sherloc (09022015). Collection method: clinical testing. Allele origin: germline.
Comment: In summary, the available evidence is currently insufficient to determine the role of this variant in disease. Therefore, it has been classified as a Variant of Uncertain Significance. This sequence change replaces leucine, which is neutral and non-polar, with phenylalanine, which is neutral and non-polar, at codon 430 of the CHRNA1 protein (p.Leu430Phe). This variant is present in population databases (rs759664482, gnomAD 0.003%). This variant has not been reported in the literature in individuals affected with CHRNA1-related conditions. ClinVar contains an entry for this variant (Variation ID: 648665). Advanced modeling of protein sequence and biophysical properties (such as structural, functional, and spatial information, amino acid conservation, physicochemical variation, residue mobility, and thermodynamic stability) performed at Invitae indicates that this missense variant is not expected to disrupt CHRNA1 protein function.

Illumina Laboratory Services, Illumina
Classification: Uncertain significance for Congenital myasthenic syndrome. Last evaluated: 2018-01-13. Review status: criteria provided, single submitter. Criteria: ICSL Variant Classification Criteria 13 December 2019. Collection method: clinical testing. Allele origin: germline.

Illumina Laboratory Services, Illumina
Classification: Uncertain significance for Lethal multiple pterygium syndrome. Last evaluated: 2018-01-13. Review status: criteria provided, single submitter. Criteria: ICSL Variant Classification Criteria 13 December 2019. Collection method: clinical testing. Allele origin: germline.

NM_000079.4(CHRNA1):c.1288C>T (p.Leu430Phe)

Gene: CHRNA1 (cholinergic receptor nicotinic alpha 1 subunit; minus strand). Cytogenetic location: 2q31.1.
Variant type: single nucleotide variant.
Coding change: c.1288C>T on transcript NM_000079.4 (MANE Select); coding-DNA position 1288, C replaced by T.
Protein change: p.Leu430Phe; replaces leucine 430 with phenylalanine.
Molecular consequence: missense variant.
Genome position (GRCh38, 1-based): chr2:174,748,210, G>A on the plus strand (C>T on the coding strand, the complement: CHRNA1 is on the minus strand). VCF-style: chr2-174748210-G-A. GRCh37 (hg19) VCF-style: chr2-175612938-G-A.
Other names: c.1363C>T, p.Leu455Phe (NM_001039523.3); short protein forms L430F, L455F.
Identifiers: ClinVar variation 648665 (VCV000648665.13), dbSNP rs759664482, ClinGen allele CA1974308.
Genomic context (GRCh38, chr2:174,748,210, plus strand): 5'-GTCGACCTGCAAACACGGCTAGGGTTCCGATGATGCAAACAAGCATGAAGACTCCGAGGA[G>A]TATGTGGTCCATCACCATTGCAACGTACTTCCACTCTGCCGCCGCCTGGGAGAGAGGAAA-3'
Protein context (NP_000070.1, residues 420-440): KYVAMVMDHI[Leu430Phe]LGVFMLVCII